The following is an entry in ClinVar:

NM_004643.4(PABPN1):c.474G>A (p.Pro158=)

Genes: BCL2L2-PABPN1 (BCL2L2-PABPN1 readthrough; plus strand), PABPN1 (poly(A) binding protein nuclear 1; plus strand). Cytogenetic location: 14q11.2.
Variant type: single nucleotide variant.
Coding change: c.474G>A on transcript NM_004643.4 (MANE Select); coding-DNA position 474, G replaced by A.
Protein change: p.Pro158=; no amino-acid change (proline 158 retained).
Molecular consequence: synonymous variant.
Genome position (GRCh38, 1-based): chr14:23,323,006, G>A. VCF-style: chr14-23323006-G-A. GRCh37 (hg19) VCF-style: chr14-23792215-G-A.
Other names: c.555G>A, p.Pro185= (NM_001199864.3, NM_001387345.1, NM_001387346.1); c.672G>A, p.Pro224= (NM_001387340.1); c.651G>A, p.Pro217= (NM_001387341.1, NM_001387342.1, NM_001387343.1 and 1 more transcripts); c.474G>A, p.Pro158= (NM_001360551.3); c.90G>A, p.Pro30= (NM_001360552.2).
Identifiers: ClinVar variation 1262816 (VCV001262816.5), dbSNP rs2295126, ClinGen allele CA7112591.
Genomic context (GRCh38, chr14:23,323,006, plus strand): 5'-TCAAGTAGAAAACAAGTGTGTGGTTTTTGTAAAAAATTATTTTTTCCTGATAGCTGGCCC[G>A]GTGATCATGTCCATTGAGGAGAAGATGGAGGCTGATGCCCGTTCCATCTATGTTGGCAAT-3'
Protein context (NP_004634.1, residues 148-168): NMSPPPGNAG[Pro158=]VIMSIEEKME

ClinVar aggregate classification (germline): Benign. Review status: criteria provided, multiple submitters, no conflicts (2 of 4 stars). 3 submissions from 3 submitters: Benign (2). 1 of the submissions does not count toward it. Last evaluated 2021-03-25.

Conditions:
PABPN1-related disorder. Also called: PABPN1-related condition.

Allele frequency attached by ClinVar (database versions not stated): gnomAD exomes 0.02341; ExAC 0.02708; gnomAD 0.05347 and 0.05629; 1000 Genomes Project 0.05611; TOPMed 0.05835; ESP Exome Variant Server 0.05890; 1000 Genomes Project 30x 0.05949.

Submissions (3):

GeneDx
Classification: Benign. Last evaluated: 2021-03-25. Review status: criteria provided, single submitter. Criteria: GeneDx Variant Classification Process June 2021. Collection method: clinical testing. Allele origin: germline. Affected: yes.

Breakthrough Genomics
Classification: Benign. Review status: criteria provided, single submitter. Criteria: ACMG Guidelines, 2015. Collection method: not provided. Allele origin: germline. Inheritance: Autosomal dominant inheritance. Affected: yes.

PreventionGenetics, part of Exact Sciences
Classification: Benign for PABPN1-related condition. Last evaluated: 2019-03-19. Review status: no assertion criteria provided. Collection method: clinical testing. Allele origin: germline. Not counted in ClinVar's aggregate classification.
Comment: This variant is classified as benign based on ACMG/AMP sequence variant interpretation guidelines (Richards et al. 2015 PMID: 25741868, with internal and published modifications).